The following is an entry in ClinVar:

ClinVar aggregate classification (germline): Uncertain significance (1 of 4 stars; one submission).

Allele frequency attached by ClinVar (database versions not stated): gnomAD 0.00001; TOPMed 0.00002.
gnomAD v4.1: 1 of 1,613,084 alleles (0.000062%); highest among the groups gnomAD compares: Admixed American, 0.0017%; no homozygotes.

Submission:

Labcorp Genetics (formerly Invitae), Labcorp
Classification: Uncertain significance. Last evaluated: 2022-07-03. Review status: criteria provided, single submitter. Criteria: Invitae Variant Classification Sherloc (09022015). Collection method: clinical testing. Allele origin: germline.
Comment: This sequence change replaces phenylalanine, which is neutral and non-polar, with leucine, which is neutral and non-polar, at codon 766 of the LRP2 protein (p.Phe766Leu). This variant is not present in population databases (gnomAD no frequency). This variant has not been reported in the literature in individuals affected with LRP2-related conditions. Algorithms developed to predict the effect of missense changes on protein structure and function are either unavailable or do not agree on the potential impact of this missense change (SIFT: "Deleterious"; PolyPhen-2: "Benign"; Align-GVGD: "Class C0"). In summary, the available evidence is currently insufficient to determine the role of this variant in disease. Therefore, it has been classified as a Variant of Uncertain Significance.

NM_004525.3(LRP2):c.2296T>C (p.Phe766Leu)

Gene: LRP2 (LDL receptor related protein 2; minus strand). Cytogenetic location: 2q31.1.
Variant type: single nucleotide variant.
Coding change: c.2296T>C on transcript NM_004525.3 (MANE Select); coding-DNA position 2296, T replaced by C.
Protein change: p.Phe766Leu; replaces phenylalanine 766 with leucine.
Molecular consequence: missense variant.
Genome position (GRCh38, 1-based): chr2:169,270,928, A>G on the plus strand (T>C on the coding strand, the complement: LRP2 is on the minus strand). VCF-style: chr2-169270928-A-G. GRCh37 (hg19) VCF-style: chr2-170127438-A-G.
Other names: short protein forms F766L.
Identifiers: ClinVar variation 1937566 (VCV001937566.2), dbSNP rs1222017607, ClinGen allele CA349161502.